The following is an entry in ClinVar:

ClinVar aggregate classification (germline): Uncertain significance. Review status: criteria provided, multiple submitters, no conflicts (2 of 4 stars). 2 submissions from 2 submitters: Uncertain significance (2). Last evaluated 2025-02-17.

Allele frequency attached by ClinVar (database versions not stated): TOPMed below 0.00001; ExAC 0.00001; gnomAD 0.00001; gnomAD exomes 0.00001.
gnomAD v4.1: 11 of 1,614,170 alleles (0.00068%); highest among the groups gnomAD compares: Middle Eastern, 0.016%; no homozygotes.

Submissions (2):

Labcorp Genetics (formerly Invitae), Labcorp
Classification: Uncertain significance. Last evaluated: 2025-02-17. Review status: criteria provided, single submitter. Criteria: Invitae Variant Classification Sherloc (09022015). Collection method: clinical testing. Allele origin: germline.
Comment: This sequence change replaces alanine, which is neutral and non-polar, with valine, which is neutral and non-polar, at codon 1140 of the CNGB1 protein (p.Ala1140Val). This variant is present in population databases (rs774214610, gnomAD 0.01%). This missense change has been observed in individual(s) with CNGB1-related conditions (PMID: 38927702). ClinVar contains an entry for this variant (Variation ID: 1016665). Invitae Evidence Modeling of protein sequence and biophysical properties (such as structural, functional, and spatial information, amino acid conservation, physicochemical variation, residue mobility, and thermodynamic stability) indicates that this missense variant is not expected to disrupt CNGB1 protein function with a negative predictive value of 80%. In summary, the available evidence is currently insufficient to determine the role of this variant in disease. Therefore, it has been classified as a Variant of Uncertain Significance.

Blueprint Genetics
Classification: Uncertain significance. Last evaluated: 2023-05-17. Review status: criteria provided, single submitter. Criteria: ACMG Guidelines, 2015. Collection method: clinical testing. Allele origin: germline.

Literature cited by the submitters: PubMed 38927702 (cited by Labcorp Genetics (formerly Invitae), Labcorp).

NM_001297.5(CNGB1):c.3419C>T (p.Ala1140Val)

Gene: CNGB1 (cyclic nucleotide gated channel subunit beta 1; minus strand). Cytogenetic location: 16q21.
Variant type: single nucleotide variant.
Coding change: c.3419C>T on transcript NM_001297.5 (MANE Select); coding-DNA position 3419, C replaced by T.
Protein change: p.Ala1140Val; replaces alanine 1140 with valine.
Molecular consequence: missense variant.
Genome position (GRCh38, 1-based): chr16:57,887,898, G>A on the plus strand (C>T on the coding strand, the complement: CNGB1 is on the minus strand). VCF-style: chr16-57887898-G-A. GRCh37 (hg19) VCF-style: chr16-57921802-G-A.
Other names: c.3401C>T, p.Ala1134Val (NM_001286130.2); short protein forms A1134V, A1140V.
Identifiers: ClinVar variation 1016665 (VCV001016665.7), dbSNP rs774214610, ClinGen allele CA8082574.